The following is an entry in ClinVar:

ClinVar aggregate classification (germline): Conflicting classifications of pathogenicity. Review status: criteria provided, conflicting classifications (1 of 4 stars). 3 submissions from 3 submitters: Uncertain significance (2); Benign (1). Last evaluated 2026-06-16.

Conditions:
PCSK1-related disorder. Also called: PCSK1-related condition.
Obesity due to prohormone convertase I deficiency. Also called: OBESITY AND ENDOCRINOPATHY DUE TO IMPAIRED PROCESSING OF PROHORMONES. Identifiers: Orphanet 71528, MedGen C1833053, MONDO:0010961, OMIM 600955.

Allele frequency attached by ClinVar (database versions not stated): 1000 Genomes Project 30x 0.00016; 1000 Genomes Project 0.00020; TOPMed 0.00026; gnomAD 0.00055 and 0.00057.
gnomAD v4.1: 159 of 1,614,102 alleles (0.0099%); highest among the groups gnomAD compares: Admixed American, 0.24%; 2 homozygotes.

Submissions (3):

PreventionGenetics, part of Exact Sciences
Classification: Uncertain significance for PCSK1-related condition. Last evaluated: 2026-06-16. Review status: criteria provided, single submitter. Criteria: ACMG Guidelines, 2015. Collection method: clinical testing. Allele origin: germline.
Comment: The PCSK1 c.1030G>A variant is predicted to result in the amino acid substitution p.Ala344Thr. This variant has been reported in individuals with early-onset obesity (Table S1, Serra-Juhé et al 2019. PubMed ID: 30926952; Supplemental Data Set, Shah et al. 2023. PubMed ID: 36864747). In vitro functional studies showed suggestive evidence of loss of function (Table 3 and Supplemental Data Set, Shah et al. 2023. PubMed ID: 36864747). This variant is reported in 0.15% of alleles in individuals of Latino descent in gnomAD, including three homozygous individuals. At this time, the clinical significance of this variant is uncertain due to the absence of conclusive functional and genetic evidence.

Labcorp Genetics (formerly Invitae), Labcorp
Classification: Benign. Last evaluated: 2025-02-24. Review status: criteria provided, single submitter. Criteria: Invitae Variant Classification Sherloc (09022015). Collection method: clinical testing. Allele origin: germline.

Illumina Laboratory Services, Illumina
Classification: Uncertain significance for Obesity due to prohormone convertase I deficiency. Last evaluated: 2018-01-13. Review status: criteria provided, single submitter. Criteria: ICSL Variant Classification Criteria 13 December 2019. Collection method: clinical testing. Allele origin: germline.

NM_000439.5(PCSK1):c.1030G>A (p.Ala344Thr)

Genes: PCSK1 (proprotein convertase subtilisin/kexin type 1; minus strand), CAST (calpastatin; plus strand), LOC101929710 (uncharacterized LOC101929710; plus strand). Cytogenetic location: 5q15.
Variant type: single nucleotide variant.
Coding change: c.1030G>A on transcript NM_000439.5 (MANE Select); coding-DNA position 1030, G replaced by A.
Protein change: p.Ala344Thr; replaces alanine 344 with threonine.
Molecular consequence: missense variant.
Genome position (GRCh38, 1-based): chr5:96,410,839, C>T on the plus strand (G>A on the coding strand, the complement: PCSK1 is on the minus strand). VCF-style: chr5-96410839-C-T. GRCh37 (hg19) VCF-style: chr5-95746543-C-T.
Other names: c.889G>A, p.Ala297Thr (NM_001177875.2); short protein forms A297T, A344T.
Identifiers: ClinVar variation 905357 (VCV000905357.14), dbSNP rs189927028, ClinGen allele CA3350325.